The following is an entry in ClinVar:

ClinVar aggregate classification (germline): Uncertain significance (1 of 4 stars; one submission).

Allele frequency attached by ClinVar (database versions not stated): gnomAD exomes below 0.00001.
gnomAD v4.1: 6 of 1,614,152 alleles (0.00037%); highest among the groups gnomAD compares: South Asian, 0.0011%; no homozygotes.

Submission:

Labcorp Genetics (formerly Invitae), Labcorp
Classification: Uncertain significance. Last evaluated: 2023-09-20. Review status: criteria provided, single submitter. Criteria: Invitae Variant Classification Sherloc (09022015). Collection method: clinical testing. Allele origin: germline.
Comment: This variant is not present in population databases (gnomAD no frequency). This sequence change replaces methionine, which is neutral and non-polar, with isoleucine, which is neutral and non-polar, at codon 489 of the DNAH9 protein (p.Met489Ile). In summary, the available evidence is currently insufficient to determine the role of this variant in disease. Therefore, it has been classified as a Variant of Uncertain Significance. Algorithms developed to predict the effect of missense changes on protein structure and function output the following: SIFT: "Not Available"; PolyPhen-2: "Benign"; Align-GVGD: "Not Available". The isoleucine amino acid residue is found in multiple mammalian species, which suggests that this missense change does not adversely affect protein function. This variant has not been reported in the literature in individuals affected with DNAH9-related conditions.

NM_001372.4(DNAH9):c.1467G>A (p.Met489Ile)

Gene: DNAH9 (dynein axonemal heavy chain 9; plus strand). Cytogenetic location: 17p12.
Variant type: single nucleotide variant.
Coding change: c.1467G>A on transcript NM_001372.4 (MANE Select); coding-DNA position 1467, G replaced by A.
Protein change: p.Met489Ile; replaces methionine 489 with isoleucine.
Molecular consequence: missense variant.
Genome position (GRCh38, 1-based): chr17:11,629,533, G>A. VCF-style: chr17-11629533-G-A. GRCh37 (hg19) VCF-style: chr17-11532850-G-A.
Other names: short protein forms M489I.
Identifiers: ClinVar variation 2991478 (VCV002991478.3), dbSNP rs2544246478, ClinGen allele CA398173612.